The following is an entry in ClinVar:

ClinVar aggregate classification (germline): Uncertain significance (1 of 4 stars; one submission).

Allele frequency attached by ClinVar (database versions not stated): gnomAD exomes below 0.00001; gnomAD 0.00003 and 0.00006; TOPMed 0.00003.
gnomAD v4.1: 13 of 1,613,932 alleles (0.00081%); highest among the groups gnomAD compares: African/African-American, 0.015%; 1 homozygote.

Submission:

Labcorp Genetics (formerly Invitae), Labcorp
Classification: Uncertain significance. Last evaluated: 2022-10-05. Review status: criteria provided, single submitter. Criteria: Invitae Variant Classification Sherloc (09022015). Collection method: clinical testing. Allele origin: germline.
Comment: This sequence change replaces alanine, which is neutral and non-polar, with threonine, which is neutral and polar, at codon 424 of the TTC37 protein (p.Ala424Thr). This variant is present in population databases (rs371871966, gnomAD 0.02%). This variant has not been reported in the literature in individuals affected with TTC37-related conditions. ClinVar contains an entry for this variant (Variation ID: 1486417). Algorithms developed to predict the effect of missense changes on protein structure and function are either unavailable or do not agree on the potential impact of this missense change (SIFT: "Tolerated"; PolyPhen-2: "Possibly Damaging"; Align-GVGD: "Class C0"). In summary, the available evidence is currently insufficient to determine the role of this variant in disease. Therefore, it has been classified as a Variant of Uncertain Significance.

NM_014639.4(SKIC3):c.1270G>A (p.Ala424Thr)

Gene: SKIC3 (SKI3 subunit of superkiller complex; minus strand). Cytogenetic location: 5q15.
Variant type: single nucleotide variant.
Coding change: c.1270G>A on transcript NM_014639.4 (MANE Select); coding-DNA position 1270, G replaced by A.
Protein change: p.Ala424Thr; replaces alanine 424 with threonine.
Molecular consequence: missense variant.
Genome position (GRCh38, 1-based): chr5:95,525,453, C>T on the plus strand (G>A on the coding strand, the complement: SKIC3 is on the minus strand). VCF-style: chr5-95525453-C-T. GRCh37 (hg19) VCF-style: chr5-94861157-C-T.
Other names: short protein forms A424T.
Identifiers: ClinVar variation 1486417 (VCV001486417.3), dbSNP rs371871966, ClinGen allele CA122862640.
Genomic context (GRCh38, chr5:95,525,453, plus strand): 5'-CTTACCATTTTTCTGCTTGTAGATAGTCCTTTTTGGTGAAATGAATCAAAGCCTCAAGGG[C>T]ATGAACTTCAGCTAGGTCAGGGTAAGAAGAGAGAAGGTCTTCCATAATCTATAAAGTAGA-3'
Protein context (NP_055454.1, residues 414-434): SSYPDLAEVH[Ala424Thr]LEALIHFTKK